The following is an entry in ClinVar:

ClinVar aggregate classification (germline): Pathogenic (1 of 4 stars; one submission).

Conditions:
Primary ciliary dyskinesia. Also called: Ciliary dyskinesia. Identifiers: Orphanet 244, MedGen C0008780, MONDO:0016575, HP:0012265.

Submission:

Labcorp Genetics (formerly Invitae), Labcorp
Classification: Pathogenic for Primary ciliary dyskinesia. Last evaluated: 2019-04-10. Review status: criteria provided, single submitter. Criteria: Invitae Variant Classification Sherloc (09022015). Collection method: clinical testing. Allele origin: germline.
Comment: For these reasons, this variant has been classified as Pathogenic. Loss-of-function variants in DNAH5 are known to be pathogenic (PMID: 11788826, 16627867). This variant has not been reported in the literature in individuals with DNAH5-related conditions. This variant is not present in population databases (ExAC no frequency). This sequence change creates a premature translational stop signal (p.Glu3981*) in the DNAH5 gene. It is expected to result in an absent or disrupted protein product.

Literature cited by the submitters: PubMed 11788826; PubMed 16627867.

NM_001369.3(DNAH5):c.11941G>T (p.Glu3981Ter)

Gene: DNAH5 (dynein axonemal heavy chain 5; minus strand). Cytogenetic location: 5p15.2.
Variant type: single nucleotide variant.
Coding change: c.11941G>T on transcript NM_001369.3 (MANE Select); coding-DNA position 11941, G replaced by T.
Protein change: p.Glu3981Ter; replaces glutamic acid 3981 with a stop codon.
Molecular consequence: nonsense.
Genome position (GRCh38, 1-based): chr5:13,727,599, C>A on the plus strand (G>T on the coding strand, the complement: DNAH5 is on the minus strand). VCF-style: chr5-13727599-C-A. GRCh37 (hg19) VCF-style: chr5-13727708-C-A.
Other names: short protein forms E3981*.
Identifiers: ClinVar variation 947457 (VCV000947457.8), dbSNP rs1745928643, ClinGen allele CA359218277.